The following is an entry in ClinVar:

ClinVar aggregate classification (germline): Uncertain significance (1 of 4 stars; one submission).

Conditions:
Developmental and epileptic encephalopathy, 11 (DEE11). Also called: Early infantile epileptic encephalopathy 11. Identifiers: Orphanet 1934, MedGen C3150987, MONDO:0013388, OMIM 613721.
Seizures, benign familial infantile, 3 (BFIS3). Also called: CONVULSIONS, BENIGN FAMILIAL INFANTILE, 3; Familial neonatal seizures. Identifiers: Orphanet 140927, Orphanet 306, MedGen C1843140, MONDO:0011904, OMIM 607745.

Submission:

Labcorp Genetics (formerly Invitae), Labcorp
Classification: Uncertain significance for Seizures, benign familial infantile, 3; Developmental and epileptic encephalopathy, 11. Last evaluated: 2017-10-18. Review status: criteria provided, single submitter. Criteria: Invitae Variant Classification Sherloc (09022015). Collection method: clinical testing. Allele origin: germline.
Comment: This sequence change replaces glutamic acid with valine at codon 1023 of the SCN2A protein (p.Glu1023Val). The glutamic acid residue is highly conserved and there is a moderate physicochemical difference between glutamic acid and valine. This variant is not present in population databases (ExAC no frequency). This variant has not been reported in the literature in individuals with SCN2A-related disease. Algorithms developed to predict the effect of missense changes on protein structure and function do not agree on the potential impact of this missense change (SIFT: "Deleterious"; PolyPhen-2: "Possibly Damaging"; Align-GVGD: "Class C0"). In summary, the available evidence is currently insufficient to determine the role of this variant in disease. Therefore, it has been classified as a Variant of Uncertain Significance.

NM_001040142.2(SCN2A):c.3068A>T (p.Glu1023Val)

Gene: SCN2A (sodium voltage-gated channel alpha subunit 2; plus strand). Cytogenetic location: 2q24.3.
Variant type: single nucleotide variant.
Coding change: c.3068A>T on transcript NM_001040142.2 (MANE Select); coding-DNA position 3068, A replaced by T.
Protein change: p.Glu1023Val; replaces glutamic acid 1023 with valine.
Molecular consequence: missense variant.
Genome position (GRCh38, 1-based): chr2:165,354,340, A>T. VCF-style: chr2-165354340-A-T. GRCh37 (hg19) VCF-style: chr2-166210850-A-T.
Other names: c.3068A>T, p.Glu1023Val (NM_001040143.2, NM_001371246.1, NM_001371247.1 and 1 more transcripts); short protein forms E1023V.
Identifiers: ClinVar variation 533490 (VCV000533490.9), dbSNP rs1411722259, ClinGen allele CA349020019.